The following is an entry in ClinVar:

NC_000002.11:g.(?_215593400)_(215646243_?)del

Gene: BARD1 (BRCA1 associated RING domain 1; minus strand). Cytogenetic location: 2q35.
Variant type: Deletion.
Identifiers: ClinVar variation 1070152 (VCV001070152.3).

ClinVar aggregate classification (germline): Pathogenic (1 of 4 stars; one submission).

Conditions:
Familial cancer of breast. Also called: hereditary breast carcinoma; BREAST CANCER, FAMILIAL; Hereditary breast cancer. Identifiers: Orphanet 227535, MedGen C0346153, MONDO:0016419, OMIM 114480. Disease mechanism: loss of function.

Submission:

Labcorp Genetics (formerly Invitae), Labcorp
Classification: Pathogenic for Familial cancer of breast. Last evaluated: 2022-08-18. Review status: criteria provided, single submitter. Criteria: Invitae Variant Classification Sherloc (09022015). Collection method: clinical testing. Allele origin: germline.
Comment: This variant is a gross deletion of the genomic region encompassing exon(s) 4-11 of the BARD1 gene, which includes the termination codon. This deletion extends beyond the assayed region for this gene and therefore may encompass additional genes. While this deletion is not anticipated to lead to nonsense mediated decay, it is expected to alter mRNA translation or result in a truncated protein product. This variant has not been reported in the literature in individuals affected with BARD1-related conditions. Algorithms developed to predict the effect of variants on protein structure and function are not available or were not evaluated for this variant. Experimental studies have shown that a similar copy number variant affects BARD1 function (PMID: 17848578). For these reasons, this variant has been classified as Pathogenic.

Literature cited by the submitters: PubMed 17848578.